The following is an entry in ClinVar:

ClinVar aggregate classification (germline): Uncertain significance (1 of 4 stars; one submission).

Conditions:
Muscular dystrophy-dystroglycanopathy (congenital with impaired intellectual development), type B, 2. Also called: Muscular dystrophy-dystroglycanopathy (congenital with intellectual disability), type B2; MUSCULAR DYSTROPHY, CONGENITAL, POMT2-RELATED. Identifiers: MedGen C3150416, MONDO:0013160, OMIM 613156.
Autosomal recessive limb-girdle muscular dystrophy type 2N. Also called: MUSCULAR DYSTROPHY-DYSTROGLYCANOPATHY, LIMB-GIRDLE, POMT2-RELATED; Muscular dystrophy-dystroglycanopathy (limb-girdle), type C, 2. Identifiers: Orphanet 206559, MedGen C3150418, MONDO:0013162, OMIM 613158.
Muscular dystrophy-dystroglycanopathy (congenital with brain and eye anomalies), type A2. Also called: MUSCULAR DYSTROPHY-DYSTROGLYCANOPATHY (CONGENITAL WITH BRAIN AND EYE ANOMALIES), TYPE A, 2; WALKER-WARBURG SYNDROME OR MUSCLE-EYE-BRAIN DISEASE, POMT2-RELATED. Identifiers: Orphanet 588, Orphanet 899, MedGen C3150411, MONDO:0013154, OMIM 613150.

Allele frequency attached by ClinVar (database versions not stated): gnomAD exomes below 0.00001; ExAC 0.00001.
gnomAD v4.1: 2 of 1,613,726 alleles (0.00012%); highest among the groups gnomAD compares: South Asian, 0.0011%; no homozygotes.

Submission:

Labcorp Genetics (formerly Invitae), Labcorp
Classification: Uncertain significance for Muscular dystrophy-dystroglycanopathy (congenital with impaired intellectual development), type B, 2; Muscular dystrophy-dystroglycanopathy (congenital with brain and eye anomalies), type A2; Autosomal recessive limb-girdle muscular dystrophy type 2N. Last evaluated: 2022-06-20. Review status: criteria provided, single submitter. Criteria: Invitae Variant Classification Sherloc (09022015). Collection method: clinical testing. Allele origin: germline.
Comment: This variant is present in population databases (rs745591622, gnomAD 0.003%). In summary, the available evidence is currently insufficient to determine the role of this variant in disease. Therefore, it has been classified as a Variant of Uncertain Significance. Algorithms developed to predict the effect of missense changes on protein structure and function (SIFT, PolyPhen-2, Align-GVGD) all suggest that this variant is likely to be disruptive. This variant has not been reported in the literature in individuals affected with POMT2-related conditions. This sequence change replaces aspartic acid, which is acidic and polar, with valine, which is neutral and non-polar, at codon 196 of the POMT2 protein (p.Asp196Val).

NM_013382.7(POMT2):c.587A>T (p.Asp196Val)

Gene: POMT2 (protein O-mannosyltransferase 2; minus strand). Cytogenetic location: 14q24.3.
Variant type: single nucleotide variant.
Coding change: c.587A>T on transcript NM_013382.7 (MANE Select); coding-DNA position 587, A replaced by T.
Protein change: p.Asp196Val; replaces aspartic acid 196 with valine.
Molecular consequence: missense variant.
Genome position (GRCh38, 1-based): chr14:77,302,904, T>A on the plus strand (A>T on the coding strand, the complement: POMT2 is on the minus strand). VCF-style: chr14-77302904-T-A. GRCh37 (hg19) VCF-style: chr14-77769247-T-A.
Other names: short protein forms D196V.
Identifiers: ClinVar variation 1473687 (VCV001473687.8), dbSNP rs745591622, ClinGen allele CA7286150.